The following is an entry in ClinVar:

ClinVar aggregate classification (germline): Pathogenic (0 of 4 stars; one submission).

Conditions:
Fanconi anemia complementation group A (FANCA). Also called: Fanconi anemia, group A; FANCA-Related Fanconi Anemia. Identifiers: Orphanet 84, MedGen C3469521, MONDO:0009215, OMIM 227650.

Submission:

Leiden Open Variation Database
Classification: Pathogenic for Fanconi anemia complementation group A. Last evaluated: 2020-02-28. Review status: no assertion criteria provided. Collection method: curation. Allele origin: germline. Affected: yes.
Comment: Curator: Arleen D. Auerbach. Submitter to LOVD: Daniela Pilonetto.

NM_000135.4(FANCA):c.784del (p.Met262fs)

Gene: FANCA (FA complementation group A; minus strand). Cytogenetic location: 16q24.3.
Variant type: Deletion.
Coding change: c.784del on transcript NM_000135.4 (MANE Select); coding-DNA position 784, one base deleted (A; older notation c.784delA).
Protein change: p.Met262fs; shifts the reading frame from methionine 262.
Molecular consequence: frameshift variant.
Genome position (GRCh38, 1-based): chr16:89,803,267, T deleted on the plus strand (A on the coding strand, the reverse complement: FANCA is on the minus strand); the first of 6 consecutive T bases (chr16:89,803,267-89,803,272); deleting any one gives the same sequence. VCF-style (leftmost placement, unchanged base first): chr16-89803266-AT-A. GRCh37 (hg19) VCF-style: chr16-89869674-AT-A.
Other names: c.784del, p.Met262fs (NM_001018112.3, NM_001286167.3); c.688del, p.Met230fs (NM_001351830.2); short protein forms M230fs, M262fs.
Identifiers: ClinVar variation 973995 (VCV000973995.1), dbSNP rs2040520715, ClinGen allele CA645577774.